The following is an entry in ClinVar:

NM_001378778.1(MPDZ):c.2264A>G (p.Asn755Ser)

Gene: MPDZ (multiple PDZ domain crumbs cell polarity complex component; minus strand). Cytogenetic location: 9p23.
Variant type: single nucleotide variant.
Coding change: c.2264A>G on transcript NM_001378778.1 (MANE Select); coding-DNA position 2264, A replaced by G.
Protein change: p.Asn755Ser; replaces asparagine 755 with serine.
Molecular consequence: missense variant.
Genome position (GRCh38, 1-based): chr9:13,188,884, T>C on the plus strand (A>G on the coding strand, the complement: MPDZ is on the minus strand). VCF-style: chr9-13188884-T-C. GRCh37 (hg19) VCF-style: chr9-13188883-T-C.
Other names: c.2264A>G, p.Asn755Ser (NM_001261406.2, NM_001261407.2, NM_001330637.2 and 14 more transcripts); c.2264A>G (NM_003829.3); short protein forms N755S.
Identifiers: ClinVar variation 1034031 (VCV001034031.8), dbSNP rs761039217, ClinGen allele CA4987514.

ClinVar aggregate classification (germline): Uncertain significance. Review status: criteria provided, multiple submitters, no conflicts (2 of 4 stars). 4 submissions from 4 submitters: Uncertain significance (4). Last evaluated 2025-09-02.

Conditions:
Inborn genetic diseases. Identifiers: MedGen C0950123, MeSH D030342.
Hydrocephalus, nonsyndromic, autosomal recessive 2. Also called: Hydrocephalus, congenital, 2, with or without brain or eye anomalies. Identifiers: Orphanet 2185, MedGen C3554691, MONDO:0014085, OMIM 615219.

Allele frequency attached by ClinVar (database versions not stated): gnomAD exomes 0.00002 and 0.00011; gnomAD 0.00005; TOPMed 0.00006; ExAC 0.00012.
gnomAD v4.1: 43 of 1,613,436 alleles (0.0027%); highest among the groups gnomAD compares: Admixed American, 0.055%; no homozygotes.

Submissions (4):

Labcorp Genetics (formerly Invitae), Labcorp
Classification: Uncertain significance. Last evaluated: 2025-09-02. Review status: criteria provided, single submitter. Criteria: Invitae Variant Classification Sherloc (09022015). Collection method: clinical testing. Allele origin: germline.
Comment: This sequence change replaces asparagine, which is neutral and polar, with serine, which is neutral and polar, at codon 755 of the MPDZ protein (p.Asn755Ser). This variant is present in population databases (rs761039217, gnomAD 0.07%). This variant has not been reported in the literature in individuals affected with MPDZ-related conditions. ClinVar contains an entry for this variant (Variation ID: 1034031). An algorithm developed to predict the effect of missense changes on protein structure and function (PolyPhen-2) suggests that this variant is likely to be disruptive. In summary, the available evidence is currently insufficient to determine the role of this variant in disease. Therefore, it has been classified as a Variant of Uncertain Significance.

Ambry Genetics
Classification: Uncertain significance for Inborn genetic diseases. Last evaluated: 2025-08-13. Review status: criteria provided, single submitter. Criteria: Ambry Variant Classification Scheme 2023. Collection method: clinical testing. Allele origin: germline.

GeneDx
Classification: Uncertain significance. Last evaluated: 2025-01-16. Review status: criteria provided, single submitter. Criteria: GeneDx Variant Classification Process June 2021. Collection method: clinical testing. Allele origin: germline. Affected: yes.
Comment: In silico analysis supports that this missense variant has a deleterious effect on protein structure/function; Has not been previously published as pathogenic or benign to our knowledge

Baylor Genetics
Classification: Uncertain significance for Hydrocephalus, nonsyndromic, autosomal recessive 2. Last evaluated: 2018-04-02. Review status: criteria provided, single submitter. Criteria: ACMG Guidelines, 2015. Collection method: clinical testing. Allele origin: paternal. Affected: yes.
Comment: This variant was determined to be of uncertain significance according to ACMG Guidelines, 2015 [PMID:25741868].